The following is an entry in ClinVar:

ClinVar aggregate classification (germline): Likely pathogenic (1 of 4 stars; one submission).

Allele frequency attached by ClinVar (database versions not stated): gnomAD exomes below 0.00001.
gnomAD v4.1: 1 of 1,599,118 alleles (0.000063%); highest among the groups gnomAD compares: African/African-American, 0.0013%; no homozygotes.

Submission:

GeneDx
Classification: Likely pathogenic. Last evaluated: 2023-05-17. Review status: criteria provided, single submitter. Criteria: GeneDx Variant Classification Process June 2021. Collection method: clinical testing. Allele origin: germline. Affected: yes.
Comment: Canonical splice site variant predicted to result in a null allele in a gene for which loss of function is a known mechanism of disease; Not observed at significant frequency in large population cohorts (gnomAD); Has not been previously published as pathogenic or benign to our knowledge

NM_001012759.3(CTU2):c.453+1G>A

Gene: CTU2 (cytosolic thiouridylase subunit 2; plus strand). Cytogenetic location: 16q24.3.
Variant type: single nucleotide variant.
Coding change: c.453+1G>A on transcript NM_001012759.3 (MANE Select); the canonical splice donor site of the intron after coding-DNA position 453, G replaced by A.
Molecular consequence: splice donor variant.
Genome position (GRCh38, 1-based): chr16:88,712,384, G>A. VCF-style: chr16-88712384-G-A. GRCh37 (hg19) VCF-style: chr16-88778792-G-A.
Other names: c.666+1G>A (NM_001318507.2); c.453+1G>A (NM_001012762.3); c.192+1G>A (NM_001318513.2).
Identifiers: ClinVar variation 1305419 (VCV001305419.3), dbSNP rs2142722780, ClinGen allele CA397061671.